The following is an entry in ClinVar:

NM_000719.7(CACNA1C):c.2023G>A (p.Gly675Arg)

Gene: CACNA1C (calcium voltage-gated channel subunit alpha1 C; plus strand). Cytogenetic location: 12p13.33.
Variant type: single nucleotide variant.
Coding change: c.2023G>A on transcript NM_000719.7 (MANE Select); coding-DNA position 2023, G replaced by A.
Protein change: p.Gly675Arg; replaces glycine 675 with arginine.
Molecular consequence: missense variant.
Genome position (GRCh38, 1-based): chr12:2,581,717, G>A. VCF-style: chr12-2581717-G-A. GRCh37 (hg19) VCF-style: chr12-2690883-G-A.
Other names: c.2023G>A, p.Gly675Arg (NM_001129827.2, NM_001129829.2, NM_001129830.3 and 18 more transcripts); c.2014G>A, p.Gly672Arg (NM_001129844.2); short protein forms G675R, G672R.
Identifiers: ClinVar variation 1784608 (VCV001784608.2), dbSNP rs1555825625, ClinGen allele CA383370355.

ClinVar aggregate classification (germline): Uncertain significance (1 of 4 stars; one submission).

Conditions:
Cardiovascular phenotype. Identifiers: MedGen CN230736.

Submission:

Ambry Genetics
Classification: Uncertain significance for Cardiovascular phenotype. Last evaluated: 2018-08-15. Review status: criteria provided, single submitter. Criteria: Ambry Variant Classification Scheme 2023. Collection method: clinical testing. Allele origin: germline.
Comment: The p.G675R variant (also known as c.2023G>A), located in coding exon 14 of the CACNA1C gene, results from a G to A substitution at nucleotide position 2023. The glycine at codon 675 is replaced by arginine, an amino acid with dissimilar properties. This amino acid position is highly conserved in available vertebrate species. In addition, this alteration is predicted to be deleterious by in silico analysis. Since supporting evidence is limited at this time, the clinical significance of this alteration remains unclear.